The following is an entry in ClinVar:

NM_001142800.2(EYS):c.8893A>G (p.Ile2965Val)

Genes: EYS (EGF-like photoreceptor maintenance factor; minus strand), PHF3 (PHD finger protein 3; plus strand). Cytogenetic location: 6q12.
Variant type: single nucleotide variant.
Coding change: c.8893A>G on transcript NM_001142800.2 (MANE Select); coding-DNA position 8893, A replaced by G.
Protein change: p.Ile2965Val; replaces isoleucine 2965 with valine.
Molecular consequence: missense variant. On other transcripts: 3 prime UTR variant (5).
Genome position (GRCh38, 1-based): chr6:63,721,138, T>C on the plus strand (A>G on the coding strand, the complement: EYS is on the minus strand). VCF-style: chr6-63721138-T-C. GRCh37 (hg19) VCF-style: chr6-64431034-T-C.
Other names: c.*7430T>C (NM_001290259.2, NM_001370348.2, NM_001370349.2 and 2 more transcripts); c.8956A>G, p.Ile2986Val (NM_001292009.2); c.8893A>G (NM_001142800.1); short protein forms I2965V, I2986V.
Identifiers: ClinVar variation 990430 (VCV000990430.6), dbSNP rs1295034102, ClinGen allele CA364383738.

ClinVar aggregate classification (germline): Uncertain significance. Review status: criteria provided, multiple submitters, no conflicts (2 of 4 stars). 4 submissions from 4 submitters: Uncertain significance (3). 1 of the submissions does not count toward it. Last evaluated 2025-07-01.

Conditions:
Inborn genetic diseases. Identifiers: MedGen C0950123, MeSH D030342.
Autosomal recessive retinitis pigmentosa. Identifiers: MedGen C0339526.

Allele frequency attached by ClinVar (database versions not stated): gnomAD 0.00001; TOPMed 0.00003.
gnomAD v4.1: 20 of 1,551,408 alleles (0.0013%); highest among the groups gnomAD compares: Admixed American, 0.037%; no homozygotes.

Submissions (4):

Ambry Genetics
Classification: Uncertain significance for Inborn genetic diseases. Last evaluated: 2025-07-01. Review status: criteria provided, single submitter. Criteria: Ambry Variant Classification Scheme 2023. Collection method: clinical testing. Allele origin: germline.

Labcorp Genetics (formerly Invitae), Labcorp
Classification: Uncertain significance. Last evaluated: 2022-10-25. Review status: criteria provided, single submitter. Criteria: Invitae Variant Classification Sherloc (09022015). Collection method: clinical testing. Allele origin: germline.
Comment: This sequence change replaces isoleucine, which is neutral and non-polar, with valine, which is neutral and non-polar, at codon 2965 of the EYS protein (p.Ile2965Val). This variant is present in population databases (no rsID available, gnomAD 0.06%). This variant has not been reported in the literature in individuals affected with EYS-related conditions. ClinVar contains an entry for this variant (Variation ID: 990430). Advanced modeling of protein sequence and biophysical properties (such as structural, functional, and spatial information, amino acid conservation, physicochemical variation, residue mobility, and thermodynamic stability) has been performed at Invitae for this missense variant, however the output from this modeling did not meet the statistical confidence thresholds required to predict the impact of this variant on EYS protein function. In summary, the available evidence is currently insufficient to determine the role of this variant in disease. Therefore, it has been classified as a Variant of Uncertain Significance.

Blueprint Genetics
Classification: Uncertain significance. Last evaluated: 2020-01-28. Review status: criteria provided, single submitter. Criteria: ACMG Guidelines, 2015. Collection method: clinical testing. Allele origin: germline.

Natera, Inc.
Classification: Uncertain significance for Autosomal recessive retinitis pigmentosa. Last evaluated: 2020-09-22. Review status: no assertion criteria provided. Collection method: clinical testing. Allele origin: germline. Not counted in ClinVar's aggregate classification.